The following is an entry in ClinVar:

NM_000143.4(FH):c.221G>C (p.Arg74Thr)

Gene: FH (fumarate hydratase; minus strand). Cytogenetic location: 1q43.
Variant type: single nucleotide variant.
Coding change: c.221G>C on transcript NM_000143.4 (MANE Select); coding-DNA position 221, G replaced by C.
Protein change: p.Arg74Thr; replaces arginine 74 with threonine.
Molecular consequence: missense variant.
Genome position (GRCh38, 1-based): chr1:241,517,228, C>G on the plus strand (G>C on the coding strand, the complement: FH is on the minus strand). VCF-style: chr1-241517228-C-G. GRCh37 (hg19) VCF-style: chr1-241680528-C-G.
Other names: short protein forms R74T.
Identifiers: ClinVar variation 2082980 (VCV002082980.4), dbSNP rs200922399, ClinGen allele CA345441786.

ClinVar aggregate classification (germline): Uncertain significance (1 of 4 stars; one submission).

Submission:

Labcorp Genetics (formerly Invitae), Labcorp
Classification: Uncertain significance. Last evaluated: 2022-01-14. Review status: criteria provided, single submitter. Criteria: Invitae Variant Classification Sherloc (09022015). Collection method: clinical testing. Allele origin: germline.
Comment: This sequence change replaces arginine, which is basic and polar, with threonine, which is neutral and polar, at codon 74 of the FH protein (p.Arg74Thr). This variant is not present in population databases (gnomAD no frequency). This variant has not been reported in the literature in individuals affected with FH-related conditions. Advanced modeling of protein sequence and biophysical properties (such as structural, functional, and spatial information, amino acid conservation, physicochemical variation, residue mobility, and thermodynamic stability) performed at Invitae indicates that this missense variant is expected to disrupt FH protein function. This variant disrupts the p.Arg74 amino acid residue in FH. Other variant(s) that disrupt this residue have been determined to be pathogenic (Invitae). This suggests that this residue is clinically significant, and that variants that disrupt this residue are likely to be disease-causing. In summary, the available evidence is currently insufficient to determine the role of this variant in disease. Therefore, it has been classified as a Variant of Uncertain Significance.